The following is an entry in ClinVar:

ClinVar aggregate classification (germline): Likely benign. Review status: criteria provided, multiple submitters, no conflicts (2 of 4 stars). 7 submissions from 7 submitters: Likely benign (7). Last evaluated 2025-12-30.

Conditions:
Inborn genetic diseases. Identifiers: MedGen C0950123, MeSH D030342.
INF2-related disorder. Also called: INF2-related condition.
Focal segmental glomerulosclerosis 5 (FSGS5). Identifiers: Orphanet 656, MedGen C2750475, MONDO:0013191, OMIM 613237.
Charcot-Marie-Tooth disease dominant intermediate E. Also called: CHARCOT-MARIE-TOOTH NEUROPATHY WITH FOCAL SEGMENTAL GLOMERULONEPHRITIS. Identifiers: Orphanet 93114, MedGen C4302667, MONDO:0013758, OMIM 614455.

Allele frequency attached by ClinVar (database versions not stated): gnomAD exomes 0.00009 and 0.00017; gnomAD 0.00038 and 0.00039; ESP Exome Variant Server 0.00040; ExAC 0.00045; TOPMed 0.00057; 1000 Genomes Project 0.00060; 1000 Genomes Project 30x 0.00062.
gnomAD v4.1: 185 of 1,553,182 alleles (0.012%); highest among the groups gnomAD compares: African/African-American, 0.11%; 2 homozygotes.

Submissions (7):

PreventionGenetics, part of Exact Sciences
Classification: Likely benign for INF2-related condition. Last evaluated: 2025-12-30. Review status: criteria provided, single submitter. Criteria: ACMG Guidelines, 2015. Collection method: clinical testing. Allele origin: germline.
Comment: This variant is classified as likely benign based on ACMG/AMP sequence variant interpretation guidelines (Richards et al. 2015 PMID: 25741868, with internal and published modifications).

Labcorp Genetics (formerly Invitae), Labcorp
Classification: Likely benign for Charcot-Marie-Tooth disease dominant intermediate E; Focal segmental glomerulosclerosis 5. Last evaluated: 2025-10-29. Review status: criteria provided, single submitter. Criteria: Invitae Variant Classification Sherloc (09022015). Collection method: clinical testing. Allele origin: germline.

Mayo Clinic Laboratories, Mayo Clinic
Classification: Likely benign. Last evaluated: 2025-05-23. Review status: criteria provided, single submitter. Criteria: ACMG Guidelines, 2015. Collection method: clinical testing. Allele origin: germline. Observed: 1 variant allele.
Comment: BS2, BP4, BP7

Fulgent Genetics
Classification: Likely benign for Focal segmental glomerulosclerosis 5; Charcot-Marie-Tooth disease dominant intermediate E. Last evaluated: 2021-11-04. Review status: criteria provided, single submitter. Criteria: ACMG Guidelines, 2015. Collection method: clinical testing. Allele origin: unknown.

ARUP Laboratories, Molecular Genetics and Genomics, ARUP Laboratories
Classification: Likely benign. Last evaluated: 2021-04-30. Review status: criteria provided, single submitter. Criteria: ARUP Molecular Germline Variant Investigation Process 2021. Collection method: clinical testing. Allele origin: germline.

GeneDx
Classification: Likely benign. Last evaluated: 2021-04-26. Review status: criteria provided, single submitter. Criteria: GeneDx Variant Classification Process June 2021. Collection method: clinical testing. Allele origin: germline. Affected: yes.
Comment: See Variant Classification Assertion Criteria.

Ambry Genetics
Classification: Likely benign for Inborn genetic diseases. Last evaluated: 2019-07-11. Review status: criteria provided, single submitter. Criteria: Ambry Variant Classification Scheme 2023. Collection method: clinical testing. Allele origin: germline.

NM_022489.4(INF2):c.2181G>A (p.Ala727=)

Gene: INF2 (inverted formin 2; plus strand). Cytogenetic location: 14q32.33.
Variant type: single nucleotide variant.
Coding change: c.2181G>A on transcript NM_022489.4 (MANE Select); coding-DNA position 2181, G replaced by A.
Protein change: p.Ala727=; no amino-acid change (alanine 727 retained).
Molecular consequence: synonymous variant.
Genome position (GRCh38, 1-based): chr14:104,710,130, G>A. VCF-style: chr14-104710130-G-A. GRCh37 (hg19) VCF-style: chr14-105176467-G-A.
Other names: p.Ala727=; c.2181G>A, p.Ala727= (NM_001031714.4).
Identifiers: ClinVar variation 540066 (VCV000540066.24), dbSNP rs370830904, ClinGen allele CA7372852.